The following is an entry in ClinVar:

NM_001283009.2(RTEL1):c.3121A>C (p.Ser1041Arg)

Genes: RTEL1 (regulator of telomere elongation helicase 1; plus strand), RTEL1-TNFRSF6B (RTEL1-TNFRSF6B readthrough (NMD candidate); plus strand). Cytogenetic location: 20q13.33.
Variant type: single nucleotide variant.
Coding change: c.3121A>C on transcript NM_001283009.2 (MANE Select); coding-DNA position 3121, A replaced by C.
Protein change: p.Ser1041Arg; replaces serine 1041 with arginine.
Molecular consequence: missense variant. On other transcripts: non-coding transcript variant (1).
Genome position (GRCh38, 1-based): chr20:63,694,752, A>C. VCF-style: chr20-63694752-A-C. GRCh37 (hg19) VCF-style: chr20-62326105-A-C.
Other names: c.2452A>C, p.Ser818Arg (NM_001283010.1); c.3121A>C, p.Ser1041Arg (NM_016434.4); c.3193A>C, p.Ser1065Arg (NM_032957.5); short protein forms S1041R, S1065R, S818R.
Identifiers: ClinVar variation 4863527 (VCV004863527.1).

ClinVar aggregate classification (germline): Uncertain significance (1 of 4 stars; one submission).

Conditions:
Inborn genetic diseases. Identifiers: MedGen C0950123, MeSH D030342.

gnomAD v4.1: 3 of 1,604,172 alleles (0.00019%); highest among the groups gnomAD compares: Non-Finnish European, 0.00026%; no homozygotes.

Submission:

Ambry Genetics
Classification: Uncertain significance for Inborn genetic diseases. Last evaluated: 2026-03-27. Review status: criteria provided, single submitter. Criteria: Ambry Variant Classification Scheme 2023. Collection method: clinical testing. Allele origin: germline.
Comment: The p.S1041R variant (also known as c.3121A>C), located in coding exon 31 of the RTEL1 gene, results from an A to C substitution at nucleotide position 3121. The serine at codon 1041 is replaced by arginine, an amino acid with dissimilar properties. This amino acid position is conserved. In addition, this alteration is predicted to be tolerated by in silico analysis. Based on the available evidence, the clinical significance of this variant remains unclear.